The following is an entry in ClinVar:

NM_181675.4(PPP2R2B):c.908C>T (p.Thr303Ile)

Genes: PPP2R2B (protein phosphatase 2 regulatory subunit Bbeta; minus strand), PPP2R2B-AS2 (PPP2R2B antisense RNA 2; plus strand). Cytogenetic location: 5q32.
Variant type: single nucleotide variant.
Coding change: c.908C>T on transcript NM_181675.4 (MANE Select); coding-DNA position 908, C replaced by T.
Protein change: p.Thr303Ile; replaces threonine 303 with isoleucine.
Molecular consequence: missense variant. On other transcripts: non-coding transcript variant (2).
Genome position (GRCh38, 1-based): chr5:146,600,343, G>A on the plus strand (C>T on the coding strand, the complement: PPP2R2B is on the minus strand). VCF-style: chr5-146600343-G-A. GRCh37 (hg19) VCF-style: chr5-145979906-G-A.
Other names: c.917C>T (NM_181676.2); c.908C>T, p.Thr303Ile (NM_001127381.1, NM_004576.2); c.926C>T, p.Thr309Ile (NM_001271899.1); c.1082C>T, p.Thr361Ile (NM_001271900.2); c.875C>T, p.Thr292Ile (NM_001271948.2, NM_181678.2); c.1106C>T, p.Thr369Ile (NM_181674.3); c.917C>T, p.Thr306Ile (NM_181676.3); c.848C>T, p.Thr283Ile (NM_181677.2); short protein forms T283I, T292I, T303I, T306I, T309I, T361I, T369I.
Identifiers: ClinVar variation 2581742 (VCV002581742.2), dbSNP rs2482775049, ClinGen allele CA361880738.

ClinVar aggregate classification (germline): Uncertain significance. Review status: criteria provided, multiple submitters, no conflicts (2 of 4 stars). 2 submissions from 2 submitters: Uncertain significance (2). Last evaluated 2026-05-10.

Submissions (2):

Ambry Genetics
Classification: Uncertain significance. Last evaluated: 2026-05-10. Review status: criteria provided, single submitter. Criteria: Ambry Variant Classification Scheme 2023. Collection method: clinical testing. Allele origin: germline.

GeneDx
Classification: Uncertain significance. Last evaluated: 2023-09-26. Review status: criteria provided, single submitter. Criteria: GeneDx Variant Classification Process June 2021. Collection method: clinical testing. Allele origin: germline. Affected: yes.
Comment: Has not been previously published as pathogenic or benign to our knowledge; In silico analysis supports that this missense variant has a deleterious effect on protein structure/function; Not observed at significant frequency in large population cohorts (gnomAD)